The following is an entry in ClinVar:

ClinVar aggregate classification (germline): Uncertain significance (1 of 4 stars; one submission).

Allele frequency attached by ClinVar (database versions not stated): TOPMed below 0.00001.

Submission:

Labcorp Genetics (formerly Invitae), Labcorp
Classification: Uncertain significance. Last evaluated: 2024-07-08. Review status: criteria provided, single submitter. Criteria: Invitae Variant Classification Sherloc (09022015). Collection method: clinical testing. Allele origin: germline.
Comment: This sequence change replaces serine, which is neutral and polar, with arginine, which is basic and polar, at codon 1631 of the MYH3 protein (p.Ser1631Arg). This variant is not present in population databases (gnomAD no frequency). This variant has not been reported in the literature in individuals affected with MYH3-related conditions. ClinVar contains an entry for this variant (Variation ID: 1347321). Advanced modeling of protein sequence and biophysical properties (such as structural, functional, and spatial information, amino acid conservation, physicochemical variation, residue mobility, and thermodynamic stability) performed at Invitae indicates that this missense variant is not expected to disrupt MYH3 protein function with a negative predictive value of 95%. In summary, the available evidence is currently insufficient to determine the role of this variant in disease. Therefore, it has been classified as a Variant of Uncertain Significance.

NM_002470.4(MYH3):c.4893C>A (p.Ser1631Arg)

Gene: MYH3 (myosin heavy chain 3; minus strand). Cytogenetic location: 17p13.1.
Variant type: single nucleotide variant.
Coding change: c.4893C>A on transcript NM_002470.4 (MANE Select); coding-DNA position 4893, C replaced by A.
Protein change: p.Ser1631Arg; replaces serine 1631 with arginine.
Molecular consequence: missense variant.
Genome position (GRCh38, 1-based): chr17:10,632,539, G>T on the plus strand (C>A on the coding strand, the complement: MYH3 is on the minus strand). VCF-style: chr17-10632539-G-T. GRCh37 (hg19) VCF-style: chr17-10535856-G-T.
Other names: short protein forms S1631R.
Identifiers: ClinVar variation 1347321 (VCV001347321.8), dbSNP rs376764120, ClinGen allele CA287780673.